The following is an entry in ClinVar:

NM_207122.2(EXT2):c.537-1G>C

Gene: EXT2 (exostosin glycosyltransferase 2; plus strand). Cytogenetic location: 11p11.2.
Variant type: single nucleotide variant.
Coding change: c.537-1G>C on transcript NM_207122.2 (MANE Select); the canonical splice acceptor site of the intron before coding-DNA position 537, G replaced by C.
Molecular consequence: splice acceptor variant.
Genome position (GRCh38, 1-based): chr11:44,109,193, G>C. VCF-style: chr11-44109193-G-C. GRCh37 (hg19) VCF-style: chr11-44130743-G-C.
Other names: c.537-1G>C (NM_001389630.1, NM_001178083.3, NM_001389628.1); c.636-1G>C (NM_000401.3).
Identifiers: ClinVar variation 3600997 (VCV003600997.1).

ClinVar aggregate classification (germline): Pathogenic (1 of 4 stars; one submission).

Conditions:
Exostoses, multiple, type 2 (EXT2). Also called: Hereditary Multiple Osteochondromatosis, Type II; EXOSTOSES, MULTIPLE, TYPE II. Identifiers: Orphanet 321, MedGen C1851413, MONDO:0007586, OMIM 133701.

Submission:

Department of Human Genetics, Hannover Medical School
Classification: Pathogenic for Exostoses, multiple, type 2. Last evaluated: 2025-01-30. Review status: criteria provided, single submitter. Criteria: ACMG Guidelines, 2015. Collection method: clinical testing. Allele origin: germline. Affected: yes.
Comment: PVS1, PM2_Supporting, PP4_Strong